The following is an entry in ClinVar:

NM_006015.6(ARID1A):c.4721C>T (p.Pro1574Leu)

Gene: ARID1A (AT-rich interaction domain 1A; plus strand). Cytogenetic location: 1p36.11.
Variant type: single nucleotide variant.
Coding change: c.4721C>T on transcript NM_006015.6 (MANE Select); coding-DNA position 4721, C replaced by T.
Protein change: p.Pro1574Leu; replaces proline 1574 with leucine.
Molecular consequence: missense variant. On other transcripts: intron variant (1).
Genome position (GRCh38, 1-based): chr1:26,774,948, C>T. VCF-style: chr1-26774948-C-T. GRCh37 (hg19) VCF-style: chr1-27101439-C-T.
Other names: c.4102-32C>T (NM_139135.4); short protein forms P1574L.
Identifiers: ClinVar variation 3346604 (VCV003346604.2).
Genomic context (GRCh38, chr1:26,774,948, plus strand): 5'-CATATGGTCCCTCTGCCCCTGTGCCCCCCATGACAAGGCCCCCTCCATCTAACTACCAGC[C>T]CCCACCAAGCATGCAGAATCACATTCCTCAGGTATCCAGCCCTGCTCCCCTGCCCCGGCC-3'
Protein context (NP_006006.3, residues 1564-1584): MTRPPPSNYQ[Pro1574Leu]PPSMQNHIPQ

ClinVar aggregate classification (germline): Uncertain significance. Review status: criteria provided, single submitter (1 of 4 stars). 2 submissions from 2 submitters: Uncertain significance (1). 1 of the submissions does not count toward it. Last evaluated 2023-10-13.

Conditions:
ARID1A-related disorder. Also called: ARID1A-related condition.

Submissions (2):

GeneDx
Classification: Uncertain significance. Last evaluated: 2023-10-13. Review status: criteria provided, single submitter. Criteria: GeneDx Variant Classification Process June 2021. Collection method: clinical testing. Allele origin: germline. Affected: yes.
Comment: Not observed at significant frequency in large population cohorts (gnomAD); In silico analysis supports that this missense variant does not alter protein structure/function; Has not been previously published as pathogenic or benign to our knowledge

PreventionGenetics, part of Exact Sciences
Classification: Uncertain significance for ARID1A-related condition. Last evaluated: 2024-05-07. Review status: no assertion criteria provided. Collection method: clinical testing. Allele origin: germline. Not counted in ClinVar's aggregate classification.
Comment: The ARID1A c.4721C>T variant is predicted to result in the amino acid substitution p.Pro1574Leu. To our knowledge, this variant has not been reported in the literature or in a large population database, indicating this variant is rare. At this time, the clinical significance of this variant is uncertain due to the absence of conclusive functional and genetic evidence.